The following is an entry in ClinVar:

NM_006618.5(KDM5B):c.1519T>C (p.Ser507Pro)

Gene: KDM5B (lysine demethylase 5B; minus strand). Cytogenetic location: 1q32.1.
Variant type: single nucleotide variant.
Coding change: c.1519T>C on transcript NM_006618.5 (MANE Select); coding-DNA position 1519, T replaced by C.
Protein change: p.Ser507Pro; replaces serine 507 with proline.
Molecular consequence: missense variant.
Genome position (GRCh38, 1-based): chr1:202,755,290, A>G on the plus strand (T>C on the coding strand, the complement: KDM5B is on the minus strand). VCF-style: chr1-202755290-A-G. GRCh37 (hg19) VCF-style: chr1-202724418-A-G.
Other names: c.1627T>C, p.Ser543Pro (NM_001314042.2); c.1384T>C, p.Ser462Pro (NM_001347591.2); c.1504T>C, p.Ser502Pro (NM_001399817.1); short protein forms S462P, S502P, S507P, S543P.
Identifiers: ClinVar variation 1700282 (VCV001700282.2), dbSNP rs2102261865, ClinGen allele CA344270448.

ClinVar aggregate classification (germline): Uncertain significance (1 of 4 stars; one submission).

Submission:

GeneDx
Classification: Uncertain significance. Last evaluated: 2022-02-05. Review status: criteria provided, single submitter. Criteria: GeneDx Variant Classification Process June 2021. Collection method: clinical testing. Allele origin: germline. Affected: yes.
Comment: Not observed at significant frequency in large population cohorts (gnomAD); In silico analysis supports that this missense variant has a deleterious effect on protein structure/function; Has not been previously published as pathogenic or benign to our knowledge